The following is an entry in ClinVar:

NM_000260.4(MYO7A):c.1069T>A (p.Ser357Thr)

Gene: MYO7A (myosin VIIA; plus strand). Cytogenetic location: 11q13.5.
Variant type: single nucleotide variant.
Coding change: c.1069T>A on transcript NM_000260.4 (MANE Select); coding-DNA position 1069, T replaced by A.
Protein change: p.Ser357Thr; replaces serine 357 with threonine.
Molecular consequence: missense variant.
Genome position (GRCh38, 1-based): chr11:77,159,512, T>A. VCF-style: chr11-77159512-T-A. GRCh37 (hg19) VCF-style: chr11-76870558-T-A.
Other names: c.1069T>A, p.Ser357Thr (NM_001127180.2); c.1036T>A, p.Ser346Thr (NM_001369365.1); short protein forms S346T, S357T.
Identifiers: ClinVar variation 1714907 (VCV001714907.5), dbSNP rs797033992, ClinGen allele CA381934070.
Genomic context (GRCh38, chr11:77,159,512, plus strand): 5'-ACATTTGAAAACCTGGATGCCTGTGAGGTTCTCTTCTCCCCATCGCTGGCCACAGCTGCA[T>A]CCCTGCTTGAGGTCAGTGCCTGGCCTCTCTCCCCTCCATGACTTCTGTCCCTCTGAAGGG-3'
Protein context (NP_000251.3, residues 347-367): LFSPSLATAA[Ser357Thr]LLEVNPPDLM

ClinVar aggregate classification (germline): Uncertain significance (1 of 4 stars; one submission).

gnomAD v4.1: 1 of 1,611,090 alleles (0.000062%); highest among the groups gnomAD compares: African/African-American, 0.0013%; no homozygotes.

Submission:

Labcorp Genetics (formerly Invitae), Labcorp
Classification: Uncertain significance. Last evaluated: 2024-11-11. Review status: criteria provided, single submitter. Criteria: Invitae Variant Classification Sherloc (09022015). Collection method: clinical testing. Allele origin: germline.
Comment: This sequence change replaces serine, which is neutral and polar, with threonine, which is neutral and polar, at codon 357 of the MYO7A protein (p.Ser357Thr). The frequency data for this variant in the population databases is considered unreliable, as metrics indicate poor data quality at this position in the gnomAD database. This variant has not been reported in the literature in individuals affected with MYO7A-related conditions. ClinVar contains an entry for this variant (Variation ID: 1714907). Invitae Evidence Modeling of protein sequence and biophysical properties (such as structural, functional, and spatial information, amino acid conservation, physicochemical variation, residue mobility, and thermodynamic stability) indicates that this missense variant is not expected to disrupt MYO7A protein function with a negative predictive value of 95%. In summary, the available evidence is currently insufficient to determine the role of this variant in disease. Therefore, it has been classified as a Variant of Uncertain Significance.